The following is an entry in ClinVar:

ClinVar aggregate classification (germline): Benign. Review status: criteria provided, multiple submitters, no conflicts (2 of 4 stars). 2 submissions from 2 submitters: Benign (2). Last evaluated 2025-07-31.

Allele frequency attached by ClinVar (database versions not stated): 1000 Genomes Project 0.57628; gnomAD exomes 0.58771 and 0.62292; TOPMed 0.59571; 1000 Genomes Project 30x 0.57620; ExAC 0.58805; gnomAD 0.61254.
gnomAD v4.1: 1,002,404 of 1,612,848 alleles (62%); highest among the groups gnomAD compares: South Asian, 65%; 314,252 homozygotes.

Submissions (2):

ARUP Laboratories, Molecular Genetics and Genomics, ARUP Laboratories
Classification: Benign. Last evaluated: 2025-07-31. Review status: criteria provided, single submitter. Criteria: ARUP Molecular Germline Variant Investigation Process 2024. Collection method: clinical testing. Allele origin: germline.

GeneDx
Classification: Benign. Last evaluated: 2018-07-09. Review status: criteria provided, single submitter. Criteria: GeneDx Variant Classification Process June 2021. Collection method: clinical testing. Allele origin: germline. Affected: yes.
Comment: This variant is associated with the following publications: (PMID: 12172214, 12122597, 11677206, 11037804)

NM_019076.5(UGT1A8):c.855+63762T>G

Genes: UGT1A9 (UDP glucuronosyltransferase family 1 member A9; plus strand), UGT1A10 (UDP glucuronosyltransferase family 1 member A10; plus strand), UGT1A7 (UDP glucuronosyltransferase family 1 member A7; plus strand), UGT1A8 (UDP glucuronosyltransferase family 1 member A8; plus strand), UGT1A (UDP glucuronosyltransferase family 1 member A complex locus; plus strand). Cytogenetic location: 2q37.1.
Variant type: single nucleotide variant.
Coding change: c.855+63762T>G on transcript NM_019076.5 (MANE Select); 63762 bases into the intron after coding-DNA position 855, T replaced by G.
Molecular consequence: intron variant. On other transcripts: missense variant (1).
Genome position (GRCh38, 1-based): chr2:233,682,324, T>G. VCF-style: chr2-233682324-T-G. GRCh37 (hg19) VCF-style: chr2-234590970-T-G.
Other names: c.387T>G, p.Asn129Lys (NM_019077.3); c.855+44947T>G (NM_019075.4); c.855+9535T>G (NM_021027.3); short protein forms N129K.
Identifiers: ClinVar variation 440386 (VCV000440386.21), dbSNP rs17868323, ClinGen allele CA2178266.